The following is an entry in ClinVar:

NM_001349253.2(SCN11A):c.3125G>C (p.Trp1042Ser)

Gene: SCN11A (sodium voltage-gated channel alpha subunit 11; minus strand). Cytogenetic location: 3p22.2.
Variant type: single nucleotide variant.
Coding change: c.3125G>C on transcript NM_001349253.2 (MANE Select); coding-DNA position 3125, G replaced by C.
Protein change: p.Trp1042Ser; replaces tryptophan 1042 with serine.
Molecular consequence: missense variant.
Genome position (GRCh38, 1-based): chr3:38,883,327, C>G on the plus strand (G>C on the coding strand, the complement: SCN11A is on the minus strand). VCF-style: chr3-38883327-C-G. GRCh37 (hg19) VCF-style: chr3-38924818-C-G.
Other names: c.3125G>C, p.Trp1042Ser (NM_014139.3); short protein forms W1042S.
Identifiers: ClinVar variation 3902361 (VCV003902361.1).

ClinVar aggregate classification (germline): Uncertain significance (1 of 4 stars; one submission).

Submission:

Women's Health and Genetics/Laboratory Corporation of America, LabCorp
Classification: Uncertain significance. Last evaluated: 2025-05-09. Review status: criteria provided, single submitter. Criteria: LabCorp Variant Classification Summary - May 2015. Collection method: clinical testing. Allele origin: germline.
Comment: Variant summary: SCN11A c.3125G>C (p.Trp1042Ser) results in a non-conservative amino acid change in the encoded protein sequence. Algorithms developed to predict the effect of missense changes on protein structure and function all suggest that this variant is likely to be disruptive. The variant was absent in 251248 control chromosomes. The available data on variant occurrences in the general population are insufficient to allow any conclusion about variant significance. To our knowledge, no occurrence of c.3125G>C in individuals affected with Familial episodic pain syndrome with predominantly lower limb involvement and no experimental evidence demonstrating its impact on protein function have been reported. No submitters have cited clinical-significance assessments for this variant to ClinVar. Based on the evidence outlined above, the variant was classified as uncertain significance.